The following is an entry in ClinVar:

NM_025179.4(PLXNA2):c.4909C>A (p.Arg1637=)

Gene: PLXNA2 (plexin A2; minus strand). Cytogenetic location: 1q32.2.
Variant type: single nucleotide variant.
Coding change: c.4909C>A on transcript NM_025179.4 (MANE Select); coding-DNA position 4909, C replaced by A.
Protein change: p.Arg1637=; no amino-acid change (arginine 1637 retained).
Molecular consequence: synonymous variant.
Genome position (GRCh38, 1-based): chr1:208,033,465, G>T on the plus strand (C>A on the coding strand, the complement: PLXNA2 is on the minus strand). VCF-style: chr1-208033465-G-T. GRCh37 (hg19) VCF-style: chr1-208206810-G-T.
Identifiers: ClinVar variation 3355676 (VCV003355676.1).

ClinVar aggregate classification (germline): Likely benign (0 of 4 stars; one submission).

Conditions:
PLXNA2-related disorder. Also called: PLXNA2-related condition.

gnomAD v4.1: 17 of 1,613,152 alleles (0.0011%); highest among the groups gnomAD compares: Non-Finnish European, 0.0014%; no homozygotes.

Submission:

PreventionGenetics, part of Exact Sciences
Classification: Likely benign for PLXNA2-related condition. Last evaluated: 2021-11-10. Review status: no assertion criteria provided. Collection method: clinical testing. Allele origin: germline.
Comment: This variant is classified as likely benign based on ACMG/AMP sequence variant interpretation guidelines (Richards et al. 2015 PMID: 25741868, with internal and published modifications).